The following is an entry in ClinVar:

NM_000448.3(RAG1):c.2924G>A (p.Arg975Gln)

Gene: RAG1 (recombination activating 1; plus strand). Cytogenetic location: 11p12.
Variant type: single nucleotide variant.
Coding change: c.2924G>A on transcript NM_000448.3 (MANE Select); coding-DNA position 2924, G replaced by A.
Protein change: p.Arg975Gln; replaces arginine 975 with glutamine.
Molecular consequence: missense variant.
Genome position (GRCh38, 1-based): chr11:36,576,228, G>A. VCF-style: chr11-36576228-G-A. GRCh37 (hg19) VCF-style: chr11-36597778-G-A.
Other names: c.2924G>A, p.Arg975Gln (NM_001377277.1, NM_001377278.1, NM_001377279.1 and 1 more transcripts); short protein forms R975Q.
Identifiers: ClinVar variation 68693 (VCV000068693.19), dbSNP rs150739647, ClinGen allele CA219836.
Genomic context (GRCh38, chr11:36,576,228, plus strand): 5'-CCATTGGGGCATGGGCAAGTGAGGGAAATGAGTCTGGTAACAAACTGTTTAGGCGCTTCC[G>A]GAAAATGAATGCCAGGCAGTCCAAATGCTATGAGATGGAAGATGTCCTGAAACACCACTG-3'
Protein context (NP_000439.2, residues 965-985): ESGNKLFRRF[Arg975Gln]KMNARQSKCY

ClinVar aggregate classification (germline): Pathogenic/Likely pathogenic. Review status: criteria provided, multiple submitters, no conflicts (2 of 4 stars). 7 submissions from 7 submitters: Pathogenic (4); Likely pathogenic (2). 1 of the submissions does not count toward it. Last evaluated 2025-12-22.

Conditions:
Severe combined immunodeficiency, autosomal recessive, T cell-negative, B cell-negative, NK cell-positive. Also called: SCID, AR, T-cell negative, B-cell negative, NK cell-positive; Severe combined immunodeficiency due to complete RAG1/2 deficiency; SCID, T CELL-NEGATIVE, B CELL-NEGATIVE, NK CELL-POSITIVE. Identifiers: Orphanet 331206, MedGen C1832322, MONDO:0011086, OMIM 601457.
Combined immunodeficiency with skin granulomas. Identifiers: Orphanet 157949, MedGen C2673536, MONDO:0009306, OMIM 233650.
Combined immunodeficiency due to partial RAG1 deficiency. Identifiers: Orphanet 231154, MedGen C1835931, MONDO:0012359, OMIM 609889.
Histiocytic medullary reticulosis. Also called: SEVERE COMBINED IMMUNODEFICIENCY WITH HYPEREOSINOPHILIA; Omenn syndrome. Identifiers: Orphanet 39041, MedGen C2700553, MONDO:0011338, OMIM 603554.
Severe combined immunodeficiency disease. Also called: Severe Combined Immune Deficiency; Severe combined immunodeficiency. Identifiers: Orphanet 183660, MedGen C0085110, MeSH D016511, MONDO:0015974, HP:0004430. Inheritance: X-Linked or Autosomal recessive.

Allele frequency attached by ClinVar (database versions not stated): gnomAD 0.00004; TOPMed 0.00004; ESP Exome Variant Server 0.00008.
gnomAD v4.1: 73 of 1,613,964 alleles (0.0045%); highest among the groups gnomAD compares: Non-Finnish European, 0.0052%; no homozygotes.

Submissions (8):

Labcorp Genetics (formerly Invitae), Labcorp
Classification: Pathogenic for Combined immunodeficiency with skin granulomas; Severe combined immunodeficiency, autosomal recessive, T cell-negative, B cell-negative, NK cell-positive. Last evaluated: 2025-12-22. Review status: criteria provided, single submitter. Criteria: Invitae Variant Classification Sherloc (09022015). Collection method: clinical testing. Allele origin: germline.
Comment: This sequence change replaces arginine, which is basic and polar, with glutamine, which is neutral and polar, at codon 975 of the RAG1 protein (p.Arg975Gln). This variant is present in population databases (rs150739647, gnomAD 0.01%). This missense change has been observed in individual(s) with severe combined immunodeficiency or Omenn syndrome (PMID: 11133745, 27484032, 30307608). ClinVar contains an entry for this variant (Variation ID: 68693). Invitae Evidence Modeling of protein sequence and biophysical properties (such as structural, functional, and spatial information, amino acid conservation, physicochemical variation, residue mobility, and thermodynamic stability) indicates that this missense variant is expected to disrupt RAG1 protein function with a positive predictive value of 95%. Experimental studies have shown that this missense change affects RAG1 function (PMID: 17476359, 18768869, 24290284). For these reasons, this variant has been classified as Pathogenic.

Women's Health and Genetics/Laboratory Corporation of America, LabCorp
Classification: Pathogenic for Severe combined immunodeficiency disease. Last evaluated: 2025-03-20. Review status: criteria provided, single submitter. Criteria: LabCorp Variant Classification Summary - May 2015. Collection method: clinical testing. Allele origin: germline.
Comment: Variant summary: RAG1 c.2924G>A (p.Arg975Gln) results in a conservative amino acid change in the encoded protein sequence. Four of five in-silico tools predict a damaging effect of the variant on protein function. The variant allele was found at a frequency of 4.4e-05 in 250554 control chromosomes. This frequency is not significantly higher than estimated for a pathogenic variant in RAG1 causing Severe Combined Immunodeficiency Syndrome/Omenn Syndrome (4.4e-05 vs 0.00071), allowing no conclusion about variant significance. These data indicate that the variant is very likely to be associated with disease. A different variant affecting the same codon has been classified as pathogenic by our lab (c.2923C>T, p.Arg975Trp), supporting the critical relevance of codon 975 to RAG1 protein function. At least two publications reported experimental evidence evaluating an impact on protein function (Wong 2008, Lee 2014). The most pronounced variant effect resulted in ~60% of normal recombination activity (Lee 2014). The following publications have been ascertained in the context of this evaluation (PMID: 11133745, 17572155, 11213808, 18463379, 11971977, 18768869, 20956421, 24290284, 25869295, 27484032). ClinVar contains an entry for this variant (Variation ID: 68693). Based on the evidence outlined above, the variant was classified as pathogenic.

Fulgent Genetics
Classification: Likely pathogenic for Combined immunodeficiency with skin granulomas; Severe combined immunodeficiency, autosomal recessive, T cell-negative, B cell-negative, NK cell-positive; Histiocytic medullary reticulosis; Combined immunodeficiency due to partial RAG1 deficiency. Last evaluated: 2024-06-18. Review status: criteria provided, single submitter. Criteria: ACMG Guidelines, 2015. Collection method: clinical testing. Allele origin: germline.

Baylor Genetics
Classification: Pathogenic for Combined immunodeficiency due to partial RAG1 deficiency. Last evaluated: 2024-02-07. Review status: criteria provided, single submitter. Criteria: ACMG Guidelines, 2015. Collection method: clinical testing. Allele origin: unknown.

Revvity Omics, Revvity
Classification: Likely pathogenic. Last evaluated: 2021-09-07. Review status: criteria provided, single submitter. Criteria: ACMG Guidelines, 2015. Collection method: clinical testing. Allele origin: germline.

GeneDx
Classification: Pathogenic. Last evaluated: 2020-12-09. Review status: criteria provided, single submitter. Criteria: GeneDx Variant Classification Process June 2021. Collection method: clinical testing. Allele origin: germline. Affected: yes.
Comment: Has been published previously either with a second RAG1 variant or in the homozygous state in patients with RAG1-associated disorders (Villa et al., 2001; Avila et al., 2010; Yu et al., 2016; Meshaal et al, 2019); Published functional studies demonstrate a damaging effect with impaired recombination activity (Wong et al., 2008); In silico analysis supports that this missense variant does not alter protein structure/function; Published functional studies demonstrate a damaging effect with impaired recombination activity Lee 2014); This variant is associated with the following publications: (PMID: 28783144, 18768869, 24290284, 11971977, 11133745, 20956421, 30307608, 27484032)

Dr. Peter K. Rogan Lab, Western University
No classification provided (evidence only). Condition: Thyroid cancer, nonmedullary, 1. Review status: no classification provided. Collection method: in vitro. Allele origin: not applicable. Functional consequence: retained intron. Not counted in ClinVar's aggregate classification.

UniProtKB/Swiss-Prot
No classification provided. Review status: no classification provided. Collection method: not provided. Allele origin: not provided. Not counted in ClinVar's aggregate classification.

Literature cited by the submitters: PubMed 11133745 (cited by Labcorp Genetics (formerly Invitae), Labcorp and Women's Health and Genetics/Laboratory Corporation of America, LabCorp); PubMed 27484032 (cited by Labcorp Genetics (formerly Invitae), Labcorp and Women's Health and Genetics/Laboratory Corporation of America, LabCorp); PubMed 30307608 (cited by Labcorp Genetics (formerly Invitae), Labcorp); PubMed 17476359 (cited by Labcorp Genetics (formerly Invitae), Labcorp); PubMed 18768869 (cited by Labcorp Genetics (formerly Invitae), Labcorp and Women's Health and Genetics/Laboratory Corporation of America, LabCorp); PubMed 24290284 (cited by Labcorp Genetics (formerly Invitae), Labcorp and Women's Health and Genetics/Laboratory Corporation of America, LabCorp); PubMed 17572155 (cited by Women's Health and Genetics/Laboratory Corporation of America, LabCorp); PubMed 11213808 (cited by Women's Health and Genetics/Laboratory Corporation of America, LabCorp); PubMed 18463379 (cited by Women's Health and Genetics/Laboratory Corporation of America, LabCorp); PubMed 11971977 (cited by Women's Health and Genetics/Laboratory Corporation of America, LabCorp); PubMed 20956421 (cited by Women's Health and Genetics/Laboratory Corporation of America, LabCorp); PubMed 25869295 (cited by Women's Health and Genetics/Laboratory Corporation of America, LabCorp).